The following is an entry in ClinVar:

NM_173477.5(USH1G):c.552C>A (p.Ser184Arg)

Gene: USH1G (USH1 protein network component sans; minus strand). Cytogenetic location: 17q25.1.
Variant type: single nucleotide variant.
Coding change: c.552C>A on transcript NM_173477.5 (MANE Select); coding-DNA position 552, C replaced by A.
Protein change: p.Ser184Arg; replaces serine 184 with arginine.
Molecular consequence: missense variant.
Genome position (GRCh38, 1-based): chr17:74,920,284, G>T on the plus strand (C>A on the coding strand, the complement: USH1G is on the minus strand). VCF-style: chr17-74920284-G-T. GRCh37 (hg19) VCF-style: chr17-72916379-G-T.
Other names: c.243C>A, p.Ser81Arg (NM_001282489.3); short protein forms S184R, S81R.
Identifiers: ClinVar variation 1005931 (VCV001005931.8), dbSNP rs761010255, ClinGen allele CA8754048.

ClinVar aggregate classification (germline): Uncertain significance (1 of 4 stars; one submission).

Allele frequency attached by ClinVar (database versions not stated): ExAC 0.00001.

Submission:

Labcorp Genetics (formerly Invitae), Labcorp
Classification: Uncertain significance. Last evaluated: 2022-10-25. Review status: criteria provided, single submitter. Criteria: Invitae Variant Classification Sherloc (09022015). Collection method: clinical testing. Allele origin: germline.
Comment: Advanced modeling of protein sequence and biophysical properties (such as structural, functional, and spatial information, amino acid conservation, physicochemical variation, residue mobility, and thermodynamic stability) performed at Invitae indicates that this missense variant is not expected to disrupt USH1G protein function. In summary, the available evidence is currently insufficient to determine the role of this variant in disease. Therefore, it has been classified as a Variant of Uncertain Significance. ClinVar contains an entry for this variant (Variation ID: 1005931). This sequence change replaces serine, which is neutral and polar, with arginine, which is basic and polar, at codon 184 of the USH1G protein (p.Ser184Arg). This variant is present in population databases (rs761010255, gnomAD 0.006%). This variant has not been reported in the literature in individuals affected with USH1G-related conditions.